The following is an entry in ClinVar:

ClinVar aggregate classification (germline): Likely pathogenic (1 of 4 stars; one submission).

Conditions:
Gaucher disease. Also called: Acute cerebral Gaucher disease; Cerebroside lipidosis syndrome; Gaucher splenomegaly; Sphingolipidosis 1; Glucocerebrosidosis; Glucosylceramidase deficiency. Identifiers: Orphanet 355, MedGen C0017205, MONDO:0018150.

Submission:

Natera, Inc.
Classification: Likely pathogenic for Gaucher disease. Last evaluated: 2025-01-01. Review status: criteria provided, single submitter. Criteria: Natera Variant Classification Schema (03/2026). Collection method: clinical testing. Allele origin: germline.
Comment: The c.15delT variant in GBA1 is a frameshift variant predicted to shift the reading frame beginning at codon 6 and leads to a stop codon 10 codons downstream. This variant is expected to result in nonsense mediated decay, truncation, or a dysfunctional protein product. This variant is rare in the general population with a frequency below the threshold expected for the associated phenotype(s). Given the available evidence, this variant is classified as Likely Pathogenic.

NM_000157.4(GBA1):c.15del (p.Pro6fs)

Gene: GBA1 (glucosylceramidase beta 1; minus strand). Cytogenetic location: 1q22.
Variant type: Deletion.
Coding change: c.15del on transcript NM_000157.4 (MANE Select); coding-DNA position 15, one base deleted (T; older notation c.15delT).
Protein change: p.Pro6fs; shifts the reading frame from proline 6.
Molecular consequence: frameshift variant. On other transcripts: intron variant (1).
Genome position (GRCh38, 1-based): chr1:155,241,098, A deleted on the plus strand (T on the coding strand, the reverse complement: GBA1 is on the minus strand). VCF-style (leftmost placement, unchanged base first): chr1-155241097-GA-G. GRCh37 (hg19) VCF-style: chr1-155210888-GA-G.
Other names: c.15del, p.Pro6fs (NM_001005741.3, NM_001005742.3, NM_001171812.2); c.-146-1021del (NM_001171811.2); short protein forms P6fs.
Identifiers: ClinVar variation 4817743 (VCV004817743.1).